The following is an entry in ClinVar:

NM_000538.4(RFXAP):c.259del (p.Glu87fs)

Gene: RFXAP (regulatory factor X associated protein; plus strand). Cytogenetic location: 13q13.3.
Variant type: Deletion.
Coding change: c.259del on transcript NM_000538.4 (MANE Select); coding-DNA position 259, one base deleted (G; older notation c.259delG).
Protein change: p.Glu87fs; shifts the reading frame from glutamic acid 87.
Molecular consequence: frameshift variant.
Genome position (GRCh38, 1-based): chr13:36,819,616, G deleted; the last of 4 consecutive G bases (chr13:36,819,613-36,819,616); deleting any one gives the same sequence. VCF-style (leftmost placement, unchanged base first): chr13-36819612-TG-T. GRCh37 (hg19) VCF-style: chr13-37393749-TG-T.
Other names: short protein forms E87fs.
Identifiers: ClinVar variation 3575883 (VCV003575883.2).

ClinVar aggregate classification (germline): Pathogenic/Likely pathogenic. Review status: criteria provided, multiple submitters, no conflicts (2 of 4 stars). 2 submissions from 2 submitters: Pathogenic (1); Likely pathogenic (1). Last evaluated 2025-09-29.

Conditions:
MHC class II deficiency. Also called: Bare lymphocyte syndrome 2; BLS, TYPE II. Identifiers: Orphanet 572, MedGen C5447452, MONDO:0008855.
MHC class II deficiency 4. Identifiers: MedGen C1859537, MONDO:0971015, OMIM 620817.

Submissions (2):

Labcorp Genetics (formerly Invitae), Labcorp
Classification: Pathogenic for MHC class II deficiency. Last evaluated: 2025-09-29. Review status: criteria provided, single submitter. Criteria: Invitae Variant Classification Sherloc (09022015). Collection method: clinical testing. Allele origin: germline.
Comment: This sequence change creates a premature translational stop signal (p.Glu87Argfs*7) in the RFXAP gene. It is expected to result in an absent or disrupted protein product. Loss-of-function variants in RFXAP are known to be pathogenic (PMID: 9118943, 22390233). The frequency data for this variant in the population databases is considered unreliable, as metrics indicate poor data quality at this position in the gnomAD database. This variant has not been reported in the literature in individuals affected with RFXAP-related conditions. ClinVar contains an entry for this variant (Variation ID: 3575883). For these reasons, this variant has been classified as Pathogenic.

Fulgent Genetics
Classification: Likely pathogenic for MHC class II deficiency 4. Last evaluated: 2024-04-18. Review status: criteria provided, single submitter. Criteria: ACMG Guidelines, 2015. Collection method: clinical testing. Allele origin: germline.

Literature cited by the submitters: PubMed 9118943 (cited by Labcorp Genetics (formerly Invitae), Labcorp); PubMed 22390233 (cited by Labcorp Genetics (formerly Invitae), Labcorp).